The following is an entry in ClinVar:

NM_032193.4(RNASEH2C):c.*719T>G

Genes: KAT5 (lysine acetyltransferase 5; plus strand), RNASEH2C (ribonuclease H2 subunit C; minus strand). Cytogenetic location: 11q13.1.
Variant type: single nucleotide variant.
Coding change: c.*719T>G on transcript NM_032193.4 (MANE Select); 719 bases downstream of the stop codon, T replaced by G.
Molecular consequence: 3 prime UTR variant. On other transcripts: synonymous variant (4).
Genome position (GRCh38, 1-based): chr11:65,719,064, A>C on the plus strand (T>G on the coding strand, the complement: RNASEH2C is on the minus strand). VCF-style: chr11-65719064-A-C. GRCh37 (hg19) VCF-style: chr11-65486535-A-C.
Other names: c.1368A>C, p.Thr456= (NM_001206833.2); c.1425A>C, p.Thr475= (NM_006388.4); c.1269A>C, p.Thr423= (NM_182709.3); c.1524A>C, p.Thr508= (NM_182710.3).
Identifiers: ClinVar variation 305343 (VCV000305343.23), dbSNP rs886048492, ClinGen allele CA10639652.

ClinVar aggregate classification (germline): Conflicting classifications of pathogenicity. Review status: criteria provided, conflicting classifications (1 of 4 stars). 2 submissions from 2 submitters: Uncertain significance (1); Likely benign (1). Last evaluated 2024-06-01.

Conditions:
Aicardi-Goutieres syndrome 3. Identifiers: Orphanet 51, MedGen C1835916, MONDO:0012471, OMIM 610329.

Allele frequency attached by ClinVar (database versions not stated): TOPMed below 0.00001; gnomAD 0.00001.
gnomAD v4.1: 1 of 1,614,050 alleles (0.000062%); highest among the groups gnomAD compares: Non-Finnish European, 0.000085%; no homozygotes.

Submissions (2):

CeGaT Center for Human Genetics Tuebingen
Classification: Likely benign. Last evaluated: 2024-06-01. Review status: criteria provided, single submitter. Criteria: CeGaT Center For Human Genetics Tuebingen Variant Classification Criteria Version 2. Collection method: clinical testing. Allele origin: germline. Affected: yes. Observed: 1 variant allele.
Comment: KAT5: BP4, BP7

Illumina Laboratory Services, Illumina
Classification: Uncertain significance for Aicardi-Goutieres syndrome 3. Last evaluated: 2018-01-12. Review status: criteria provided, single submitter. Criteria: ICSL Variant Classification Criteria 13 December 2019. Collection method: clinical testing. Allele origin: germline.